The following is an entry in ClinVar:

ClinVar aggregate classification (germline): Uncertain significance (1 of 4 stars; one submission).

Conditions:
Rolandic epilepsy, impaired intellectual development, and speech dyspraxia, X-linked. Also called: Rolandic epilepsy, intellectual disability, and speech dyspraxia, X-linked; Rolandic epilepsy, impaired intellectual development, and speech dyspraxia. Identifiers: MedGen C1845070, MONDO:0010388, OMIM 300643.

Submission:

Labcorp Genetics (formerly Invitae), Labcorp
Classification: Uncertain significance for Rolandic epilepsy, impaired intellectual development, and speech dyspraxia, X-linked. Last evaluated: 2017-10-28. Review status: criteria provided, single submitter. Criteria: Invitae Variant Classification Sherloc (09022015). Collection method: clinical testing. Allele origin: germline.
Comment: This sequence change replaces threonine with isoleucine at codon 6 of the SRPX2 protein (p.Thr6Ile). The threonine residue is moderately conserved and there is a moderate physicochemical difference between threonine and isoleucine. This variant is not present in population databases (ExAC no frequency). This variant has not been reported in the literature in individuals with SRPX2-related disease. Algorithms developed to predict the effect of missense changes on protein structure and function output the following: SIFT: "Tolerated"; PolyPhen-2: "Benign"; Align-GVGD: "Class C0". The isoleucine amino acid residue is found in multiple mammalian species, suggesting that this missense change does not adversely affect protein function. These predictions have not been confirmed by published functional studies and their clinical significance is uncertain. In summary, the available evidence is currently insufficient to determine the role of this variant in disease. Therefore, it has been classified as a Variant of Uncertain Significance.

NM_014467.3(SRPX2):c.17C>T (p.Thr6Ile)

Gene: SRPX2 (sushi repeat containing protein X-linked 2; plus strand). Cytogenetic location: Xq22.1.
Variant type: single nucleotide variant.
Coding change: c.17C>T on transcript NM_014467.3 (MANE Select); coding-DNA position 17, C replaced by T.
Protein change: p.Thr6Ile; replaces threonine 6 with isoleucine.
Molecular consequence: missense variant.
Genome position (GRCh38, 1-based): chrX:100,646,339, C>T. VCF-style: chrX-100646339-C-T. GRCh37 (hg19) VCF-style: chrX-99901336-C-T.
Other names: short protein forms T6I.
Identifiers: ClinVar variation 533650 (VCV000533650.1), dbSNP rs1556010625, ClinGen allele CA413922072.